The following is an entry in ClinVar:

ClinVar aggregate classification (germline): Pathogenic (1 of 4 stars; one submission).

Conditions:
Rhabdoid tumor predisposition syndrome 2 (RTPS2). Identifiers: Orphanet 231108, Orphanet 69077, MedGen C2750074, MONDO:0013224, OMIM 613325.

Submission:

Labcorp Genetics (formerly Invitae), Labcorp
Classification: Pathogenic for Rhabdoid tumor predisposition syndrome 2. Last evaluated: 2020-11-15. Review status: criteria provided, single submitter. Criteria: Invitae Variant Classification Sherloc (09022015). Collection method: clinical testing. Allele origin: germline.
Comment: This sequence change creates a premature translational stop signal (p.Glu717*) in the SMARCA4 gene. It is expected to result in an absent or disrupted protein product. This variant is not present in population databases (ExAC no frequency). This variant has not been reported in the literature in individuals with SMARCA4-related conditions. Loss-of-function variants in SMARCA4 are known to be pathogenic (PMID: 24658001, 24658002). For these reasons, this variant has been classified as Pathogenic.

Literature cited by the submitters: PubMed 24658001; PubMed 24658002.

NM_003072.5(SMARCA4):c.2149G>T (p.Glu717Ter)

Gene: SMARCA4 (SWI/SNF related BAF chromatin remodeling complex subunit ATPase 4; plus strand). Cytogenetic location: 19p13.2.
Variant type: single nucleotide variant.
Coding change: c.2149G>T on transcript NM_003072.5 (MANE Select); coding-DNA position 2149, G replaced by T.
Protein change: p.Glu717Ter; replaces glutamic acid 717 with a stop codon.
Molecular consequence: nonsense. On other transcripts: non-coding transcript variant (1).
Genome position (GRCh38, 1-based): chr19:11,010,406, G>T. VCF-style: chr19-11010406-G-T. GRCh37 (hg19) VCF-style: chr19-11121082-G-T.
Other names: c.2149G>T, p.Glu717Ter (NM_001128844.3, NM_001128845.2, NM_001128846.2 and 5 more transcripts); short protein forms E717*.
Identifiers: ClinVar variation 1070370 (VCV001070370.7), dbSNP rs2146234214, ClinGen allele CA404052708.